The following is an entry in ClinVar:

ClinVar aggregate classification (germline): Pathogenic. Review status: criteria provided, multiple submitters, no conflicts (2 of 4 stars). 2 submissions from 2 submitters: Pathogenic (2). Last evaluated 2026-04-01.

Conditions:
Inborn genetic diseases. Identifiers: MedGen C0950123, MeSH D030342.
Tumor predisposition syndrome 2 (TPDS2). Also called: MBD4-Related Tumor Predisposition Syndrome; MBD4-associated neoplasia syndrome (MANS); MBD4-ASSOCIATED NEOPLASIA SYNDROME. Identifiers: Orphanet 661526, MedGen C5774186, MONDO:0859267, OMIM 619975.

Submissions (2):

Myriad Genetics, Inc.
Classification: Pathogenic for Tumor predisposition syndrome 2. Last evaluated: 2026-04-01. Review status: criteria provided, single submitter. Criteria: Myriad Autosomal Dominant, Autosomal Recessive and X-Linked Classification Criteria (2023). Collection method: clinical testing. Allele origin: unknown.
Comment: This variant is considered pathogenic. This variant creates a frameshift predicted to result in premature protein truncation.

Ambry Genetics
Classification: Pathogenic for Inborn genetic diseases. Last evaluated: 2025-02-18. Review status: criteria provided, single submitter. Criteria: Ambry Variant Classification Scheme 2023. Collection method: clinical testing. Allele origin: germline.
Comment: The c.929dupT pathogenic mutation, located in coding exon 3 of the MBD4 gene, results from a duplication of T at nucleotide position 929, causing a translational frameshift with a predicted alternate stop codon (p.E314Rfs*13). This variant is considered to be rare based on population cohorts in the Genome Aggregation Database (gnomAD). This alteration is expected to result in loss of function by premature protein truncation or nonsense-mediated mRNA decay. As such, this alteration is interpreted as a disease-causing mutation.

NM_001276270.2(MBD4):c.929dup (p.Glu314fs)

Gene: MBD4 (methyl-CpG binding domain 4, DNA glycosylase; minus strand). Cytogenetic location: 3q21.3.
Variant type: Duplication.
Coding change: c.929dup on transcript NM_001276270.2 (MANE Select); coding-DNA position 929, one base duplicated (T; older notation c.929dupT).
Protein change: p.Glu314fs; shifts the reading frame from glutamic acid 314.
Molecular consequence: frameshift variant. On other transcripts: intron variant (1).
Genome position (GRCh38, 1-based): chr3:129,436,715, A duplicated on the plus strand (T on the coding strand, the reverse complement: MBD4 is on the minus strand). VCF-style (leftmost placement, unchanged base first): chr3-129436714-T-TA. GRCh37 (hg19) VCF-style: chr3-129155557-T-TA.
Other names: c.929dupT (NM_001276270.2); c.929dup, p.Glu314fs (NM_001276271.2, NM_001276272.2, NM_003925.3); c.247+1093dup (NM_001276273.2); short protein forms E314fs.
Identifiers: ClinVar variation 3870911 (VCV003870911.2).